The following is an entry in ClinVar:

ClinVar aggregate classification (germline): Uncertain significance. Review status: criteria provided, multiple submitters, no conflicts (2 of 4 stars). 7 submissions from 7 submitters: Uncertain significance (4). 3 of the submissions do not count toward it. Last evaluated 2024-09-23.

Conditions:
Autosomal recessive inherited pseudoxanthoma elasticum (PXE). Identifiers: Orphanet 758, MedGen CN032334, MONDO:0009925, OMIM 264800.
Pseudoxanthoma elasticum, forme fruste. Also called: Pseudoxanthoma Elasticum, Incomplete; PSEUDOXANTHOMA ELASTICUM, HETEROZYGOUS. Identifiers: Orphanet 758, MedGen C1867450, MONDO:0008333, OMIM 177850.
Arterial calcification, generalized, of infancy, 2. Identifiers: Orphanet 51608, MedGen C3276161, MONDO:0013768, OMIM 614473.

Allele frequency attached by ClinVar (database versions not stated): 1000 Genomes Project 30x 0.00016; ExAC 0.00018; 1000 Genomes Project 0.00020; gnomAD 0.00020 and 0.00021; gnomAD exomes 0.00020; TOPMed 0.00020; ESP Exome Variant Server 0.00023.
gnomAD v4.1: 391 of 1,613,288 alleles (0.024%); highest among the groups gnomAD compares: Non-Finnish European, 0.03%; no homozygotes.

Submissions (7):

Blueprint Genetics
Classification: Uncertain significance. Last evaluated: 2024-09-23. Review status: criteria provided, single submitter. Criteria: ACMG Guidelines, 2015. Collection method: clinical testing. Allele origin: germline.

CeGaT Center for Human Genetics Tuebingen
Classification: Uncertain significance. Last evaluated: 2024-07-01. Review status: criteria provided, single submitter. Criteria: CeGaT Center For Human Genetics Tuebingen Variant Classification Criteria Version 2. Collection method: clinical testing. Allele origin: germline. Affected: yes. Observed: 5 variant alleles.
Comment: ABCC6: PM2:Supporting

Fulgent Genetics
Classification: Uncertain significance for Pseudoxanthoma elasticum, forme fruste; Autosomal recessive inherited pseudoxanthoma elasticum; Arterial calcification, generalized, of infancy, 2. Last evaluated: 2024-05-02. Review status: criteria provided, single submitter. Criteria: ACMG Guidelines, 2015. Collection method: clinical testing. Allele origin: germline.

Labcorp Genetics (formerly Invitae), Labcorp
Classification: Uncertain significance. Last evaluated: 2022-10-17. Review status: criteria provided, single submitter. Criteria: Invitae Variant Classification Sherloc (09022015). Collection method: clinical testing. Allele origin: germline.
Comment: This sequence change replaces glutamic acid, which is acidic and polar, with lysine, which is basic and polar, at codon 1369 of the ABCC6 protein (p.Glu1369Lys). This variant is present in population databases (rs60285147, gnomAD 0.04%). This variant has not been reported in the literature in individuals affected with ABCC6-related conditions. ClinVar contains an entry for this variant (Variation ID: 1026638). Algorithms developed to predict the effect of missense changes on protein structure and function (SIFT, PolyPhen-2, Align-GVGD) all suggest that this variant is likely to be tolerated. In summary, the available evidence is currently insufficient to determine the role of this variant in disease. Therefore, it has been classified as a Variant of Uncertain Significance.

Clinical Genetics DNA and cytogenetics Diagnostics Lab, Erasmus MC, Erasmus Medical Center
Classification: Uncertain significance. Review status: no assertion criteria provided. Collection method: clinical testing. Allele origin: germline. Affected: yes. Study: VKGL Data-share Consensus. Not counted in ClinVar's aggregate classification.

Clinical Genetics, Academic Medical Center
Classification: Uncertain significance. Review status: no assertion criteria provided. Collection method: clinical testing. Allele origin: germline. Affected: yes. Study: VKGL Data-share Consensus. Not counted in ClinVar's aggregate classification.

Laboratory of Diagnostic Genome Analysis, Leiden University Medical Center (LUMC)
Classification: Uncertain significance. Review status: no assertion criteria provided. Collection method: clinical testing. Allele origin: germline. Affected: yes. Study: VKGL Data-share Consensus. Not counted in ClinVar's aggregate classification.

NM_001171.6(ABCC6):c.4105G>A (p.Glu1369Lys)

Gene: ABCC6 (ATP binding cassette subfamily C member 6; minus strand). Cytogenetic location: 16p13.11.
Variant type: single nucleotide variant.
Coding change: c.4105G>A on transcript NM_001171.6 (MANE Select); coding-DNA position 4105, G replaced by A.
Protein change: p.Glu1369Lys; replaces glutamic acid 1369 with lysine.
Molecular consequence: missense variant. On other transcripts: non-coding transcript variant (1).
Genome position (GRCh38, 1-based): chr16:16,154,731, C>T on the plus strand (G>A on the coding strand, the complement: ABCC6 is on the minus strand). VCF-style: chr16-16154731-C-T. GRCh37 (hg19) VCF-style: chr16-16248588-C-T.
Other names: c.3763G>A, p.Glu1255Lys (NM_001351800.1); short protein forms E1255K, E1369K.
Identifiers: ClinVar variation 1026638 (VCV001026638.38), dbSNP rs60285147, ClinGen allele CA7925310.